The following is an entry in ClinVar:

NM_005202.4(COL8A2):c.1662C>T (p.Ala554=)

Gene: COL8A2 (collagen type VIII alpha 2 chain; minus strand). Cytogenetic location: 1p34.3.
Variant type: single nucleotide variant.
Coding change: c.1662C>T on transcript NM_005202.4 (MANE Select); coding-DNA position 1662, C replaced by T.
Protein change: p.Ala554=; no amino-acid change (alanine 554 retained).
Molecular consequence: synonymous variant.
Genome position (GRCh38, 1-based): chr1:36,098,019, G>A on the plus strand (C>T on the coding strand, the complement: COL8A2 is on the minus strand). VCF-style: chr1-36098019-G-A. GRCh37 (hg19) VCF-style: chr1-36563620-G-A.
Other names: c.1467C>T, p.Ala489= (NM_001294347.2).
Identifiers: ClinVar variation 3037037 (VCV003037037.2), dbSNP rs753604558, ClinGen allele CA764909.

ClinVar aggregate classification (germline): Likely benign (0 of 4 stars; one submission).

Conditions:
COL8A2-related disorder. Also called: COL8A2-related condition.

Allele frequency attached by ClinVar (database versions not stated): TOPMed 0.00005; ExAC 0.00006; gnomAD 0.00009.
gnomAD v4.1: 60 of 1,594,904 alleles (0.0038%); highest among the groups gnomAD compares: Middle Eastern, 0.017%; no homozygotes.

Submission:

PreventionGenetics, part of Exact Sciences
Classification: Likely benign for COL8A2-related condition. Last evaluated: 2022-05-03. Review status: no assertion criteria provided. Collection method: clinical testing. Allele origin: germline.
Comment: This variant is classified as likely benign based on ACMG/AMP sequence variant interpretation guidelines (Richards et al. 2015 PMID: 25741868, with internal and published modifications).